The following is an entry in ClinVar:

NM_000392.5(ABCC2):c.3104-9C>T

Gene: ABCC2 (ATP binding cassette subfamily C member 2; plus strand). Cytogenetic location: 10q24.2.
Variant type: single nucleotide variant.
Coding change: c.3104-9C>T on transcript NM_000392.5 (MANE Select); 9 bases into the intron before coding-DNA position 3104, C replaced by T.
Molecular consequence: intron variant.
Genome position (GRCh38, 1-based): chr10:99,831,968, C>T. VCF-style: chr10-99831968-C-T. GRCh37 (hg19) VCF-style: chr10-101591725-C-T.
Other names: c.3104-9C>T (NM_000392.4).
Identifiers: ClinVar variation 2975605 (VCV002975605.4), dbSNP rs2038748414, ClinGen allele CA1931491346.

ClinVar aggregate classification (germline): Likely benign. Review status: criteria provided, multiple submitters, no conflicts (2 of 4 stars). 2 submissions from 2 submitters: Likely benign (2). Last evaluated 2025-03-26.

Conditions:
ABCC2-related disorder. Also called: ABCC2-related condition.

Allele frequency attached by ClinVar (database versions not stated): gnomAD exomes below 0.00001; TOPMed 0.00001.
gnomAD v4.1: 1 of 1,614,220 alleles (0.000062%); highest among the groups gnomAD compares: Non-Finnish European, 0.000085%; no homozygotes.

Submissions (2):

PreventionGenetics, part of Exact Sciences
Classification: Likely benign for ABCC2-related condition. Last evaluated: 2025-03-26. Review status: criteria provided, single submitter. Criteria: ACMG Guidelines, 2015. Collection method: clinical testing. Allele origin: germline.
Comment: This variant is classified as likely benign based on ACMG/AMP sequence variant interpretation guidelines (Richards et al. 2015 PMID: 25741868, with internal and published modifications).

Labcorp Genetics (formerly Invitae), Labcorp
Classification: Likely benign. Last evaluated: 2023-04-14. Review status: criteria provided, single submitter. Criteria: Invitae Variant Classification Sherloc (09022015). Collection method: clinical testing. Allele origin: germline.